The following is an entry in ClinVar:

ClinVar aggregate classification (germline): Likely benign (0 of 4 stars; one submission).

Conditions:
CEP290-related disorder. Also called: CEP290-related condition; CEP290-related disorders. Identifiers: MedGen CN239314.

Submission:

PreventionGenetics, part of Exact Sciences
Classification: Likely benign for CEP290-related condition. Last evaluated: 2024-06-06. Review status: no assertion criteria provided. Collection method: clinical testing. Allele origin: germline.
Comment: This variant is classified as likely benign based on ACMG/AMP sequence variant interpretation guidelines (Richards et al. 2015 PMID: 25741868, with internal and published modifications).

NM_025114.4(CEP290):c.5358G>A (p.Glu1786=)

Gene: CEP290 (centrosomal protein 290; minus strand). Cytogenetic location: 12q21.32.
Variant type: single nucleotide variant.
Coding change: c.5358G>A on transcript NM_025114.4 (MANE Select); coding-DNA position 5358, G replaced by A.
Protein change: p.Glu1786=; no amino-acid change (glutamic acid 1786 retained).
Molecular consequence: synonymous variant.
Genome position (GRCh38, 1-based): chr12:88,079,098, C>T on the plus strand (G>A on the coding strand, the complement: CEP290 is on the minus strand). VCF-style: chr12-88079098-C-T. GRCh37 (hg19) VCF-style: chr12-88472875-C-T.
Identifiers: ClinVar variation 3344399 (VCV003344399.1).
Genomic context (GRCh38, chr12:88,079,098, plus strand): 5'-CTTCCAATAGGAATTATCAGAAATTTTGTTACATTAACACGTGTTGATGTTCACCTTTAG[C>T]TCTCTAGTATGTCGATCAACGATTTGTTGAACATTGAGATGGGCCTCTTTTTGAGAAGTT-3'
Protein context (NP_079390.3, residues 1776-1796): VQQIVDRHTR[Glu1786=]LKTQVEDLNE